The following is an entry in ClinVar:

ClinVar aggregate classification (germline): Pathogenic (1 of 4 stars; one submission).

Conditions:
Ehlers-Danlos syndrome, type 4 (EDSVASC). Also called: Ehlers-Danlos syndrome vascular type; Ehlers Danlos syndrome, ecchymotic type; Ehlers Danlos syndrome, arterial type; Ehlers Danlos syndrome, Sack-Barabas type; Ehlers-Danlos Syndrome Type IV. Identifiers: Orphanet 286, MedGen C0268338, MONDO:0017314, OMIM 130050.

Submission:

Labcorp Genetics (formerly Invitae), Labcorp
Classification: Pathogenic for Ehlers-Danlos syndrome, type 4. Last evaluated: 2023-07-28. Review status: criteria provided, single submitter. Criteria: Invitae Variant Classification Sherloc (09022015). Collection method: clinical testing. Allele origin: germline.
Comment: For these reasons, this variant has been classified as Pathogenic. This variant disrupts the p.Gly693 amino acid residue in COL3A1. Other variant(s) that disrupt this residue have been observed in individuals with COL3A1-related conditions (PMID: 22019127; Invitae), which suggests that this may be a clinically significant amino acid residue. This variant disrupts the triple helix domain of COL3A1. Glycine residues within the Gly-Xaa-Yaa repeats of the triple helix domain are required for the structure and stability of fibrillar collagens (PMID: 7695699, 8218237, 19344236). In COL3A1, variants that affect these glycine residues are significantly enriched in individuals with disease (PMID: 24922459, 25758994) compared to the general population (ExAC). Advanced modeling of protein sequence and biophysical properties (such as structural, functional, and spatial information, amino acid conservation, physicochemical variation, residue mobility, and thermodynamic stability) performed at Invitae indicates that this missense variant is expected to disrupt COL3A1 protein function. This variant has not been reported in the literature in individuals affected with COL3A1-related conditions. This variant is not present in population databases (gnomAD no frequency). This sequence change replaces glycine, which is neutral and non-polar, with glutamic acid, which is acidic and polar, at codon 693 of the COL3A1 protein (p.Gly693Glu).

Literature cited by the submitters: PubMed 22019127; PubMed 7695699; PubMed 8218237; PubMed 19344236; PubMed 24922459; PubMed 25758994.

NM_000090.4(COL3A1):c.2078G>A (p.Gly693Glu)

Gene: COL3A1 (collagen type III alpha 1 chain; plus strand). Cytogenetic location: 2q32.2.
Variant type: single nucleotide variant.
Coding change: c.2078G>A on transcript NM_000090.4 (MANE Select); coding-DNA position 2078, G replaced by A.
Protein change: p.Gly693Glu; replaces glycine 693 with glutamic acid.
Molecular consequence: missense variant.
Genome position (GRCh38, 1-based): chr2:188,999,340, G>A. VCF-style: chr2-188999340-G-A. GRCh37 (hg19) VCF-style: chr2-189864066-G-A.
Other names: short protein forms G693E.
Identifiers: ClinVar variation 2856561 (VCV002856561.3), dbSNP rs587779442, ClinGen allele CA349840137.
Genomic context (GRCh38, chr2:188,999,340, plus strand): 5'-CACAGGGTGATGCTGGTGCCCCTGGTGAACGTGGACCTCCTGGATTGGCAGGGGCCCCAG[G>A]ACTTAGAGGTGGAGCTGGTCCCCCTGGTCCCGAAGGAGGAAAGGTAACTCCACAGCATTC-3'
Protein context (NP_000081.2, residues 683-703): RGPPGLAGAP[Gly693Glu]LRGGAGPPGP